The following is an entry in ClinVar:

NM_015158.5(KANK1):c.2702_2703delinsGG (p.Asn901Arg)

Gene: KANK1 (KN motif and ankyrin repeat domains 1; plus strand). Cytogenetic location: 9p24.3.
Variant type: Indel.
Coding change: c.2702_2703delinsGG on transcript NM_015158.5 (MANE Select); coding-DNA positions 2702 to 2703, AT replaced by GG.
Protein change: p.Asn901Arg; replaces asparagine 901 with arginine.
Molecular consequence: missense variant. On other transcripts: non-coding transcript variant (1).
Genome position (GRCh38, 1-based): chr9:730,054-730,055, AT replaced by GG. VCF-style: chr9-730054-AT-GG. GRCh37 (hg19) VCF-style: chr9-730054-AT-GG.
Other names: c.2702_2703delinsGG, p.Asn901Arg (NM_001256876.3, NM_001256877.3, NM_001354331.2 and 3 more transcripts); c.2228_2229delinsGG, p.Asn743Arg (NM_001354333.2, NM_001354335.2, NM_001354336.2 and 10 more transcripts); short protein forms N743R, N901R.
Identifiers: ClinVar variation 4695750 (VCV004695750.1).
Genomic context (GRCh38, chr9:730,054, plus strand): 5'-AAGCCTGCTTTTTCAGTCCTAGCATCACACACTCTGTACCTTTCTTTTTCCTGATAGGCA[AT>GG]TATTTGGGATATACCTGTAAGTGTGGGGGCCTTCAGTCAGGAAGTCCCTTAAGCTCCCAG-3'
Protein context (NP_055973.2, residues 891-911): QKTSLGKITG[Asn901Arg]YLGYTCKCGG

ClinVar aggregate classification (germline): Uncertain significance (1 of 4 stars; one submission).

Submission:

Labcorp Genetics (formerly Invitae), Labcorp
Classification: Uncertain significance. Last evaluated: 2025-03-20. Review status: criteria provided, single submitter. Criteria: Invitae Variant Classification Sherloc (09022015). Collection method: clinical testing. Allele origin: germline.
Comment: This sequence change replaces asparagine, which is neutral and polar, with arginine, which is basic and polar, at codon 901 of the KANK1 protein (p.Asn901Arg). This variant is present in population databases (no rsID available, gnomAD 0.002%). This variant has not been reported in the literature in individuals affected with KANK1-related conditions. An algorithm developed to predict the effect of missense changes on protein structure and function (PolyPhen-2) suggests that this variant is likely to be tolerated. In summary, the available evidence is currently insufficient to determine the role of this variant in disease. Therefore, it has been classified as a Variant of Uncertain Significance.